The following is an entry in ClinVar:

NM_001042492.3(NF1):c.1527+675C>T

Gene: NF1 (neurofibromin 1; plus strand). Cytogenetic location: 17q11.2.
Variant type: single nucleotide variant.
Coding change: c.1527+675C>T on transcript NM_001042492.3 (MANE Select); 675 bases into the intron after coding-DNA position 1527, C replaced by T.
Molecular consequence: intron variant.
Genome position (GRCh38, 1-based): chr17:31,215,260, C>T. VCF-style: chr17-31215260-C-T. GRCh37 (hg19) VCF-style: chr17-29542278-C-T.
Other names: c.1527+675C>T (NM_000267.4, NM_001128147.3).
Identifiers: ClinVar variation 3238361 (VCV003238361.1), dbSNP rs2544831653.

ClinVar aggregate classification (germline): Likely pathogenic (1 of 4 stars; one submission).

Conditions:
Hereditary cancer-predisposing syndrome. Also called: Neoplastic Syndromes, Hereditary; Tumor predisposition; Hereditary neoplastic syndrome; Hereditary Cancer Syndrome. Identifiers: Orphanet 140162, MedGen C0027672, MeSH D009386, MONDO:0015356.
Cardiovascular phenotype. Identifiers: MedGen CN230736.

Submission:

Ambry Genetics
Classification: Likely pathogenic for Cardiovascular phenotype; Hereditary cancer-predisposing syndrome. Last evaluated: 2024-01-25. Review status: criteria provided, single submitter. Criteria: Ambry Variant Classification Scheme 2023. Collection method: clinical testing. Allele origin: germline.
Comment: The c.1527+675C>T intronic variant results from a C to T substitution 675 nucleotides after coding exon 13 in the NF1 gene. This variant was reported in multiple individuals with features consistent with Neurofibromatosis type I (Melloni G et al. Cancers (Basel), 2019 Nov;11; Ambry internal data). This nucleotide position is well conserved in available vertebrate species. In silico splice site analysis predicts that this alteration will result in the creation or strengthening of a novel splice donor site. RNA studies have demonstrated that this alteration results in abnormal splicing in the set of samples tested (Melloni G et al. Cancers (Basel), 2019 Nov;11; Ambry internal data). This variant is considered to be rare based on population cohorts in the Genome Aggregation Database (gnomAD). Based on the majority of available evidence to date, this variant is likely to be pathogenic.